The following is an entry in ClinVar:

ClinVar aggregate classification (germline): Uncertain significance (1 of 4 stars; one submission).

Submission:

GeneDx
Classification: Uncertain significance. Last evaluated: 2023-04-28. Review status: criteria provided, single submitter. Criteria: GeneDx Variant Classification Process June 2021. Collection method: clinical testing. Allele origin: germline. Affected: yes.
Comment: Not observed at significant frequency in large population cohorts (gnomAD); In silico analysis supports that this missense variant does not alter protein structure/function; Has not been previously published as pathogenic or benign to our knowledge

NM_198880.3(QRICH1):c.556C>A (p.Pro186Thr)

Gene: QRICH1 (glutamine rich 1; minus strand). Cytogenetic location: 3p21.31.
Variant type: single nucleotide variant.
Coding change: c.556C>A on transcript NM_198880.3 (MANE Select); coding-DNA position 556, C replaced by A.
Protein change: p.Pro186Thr; replaces proline 186 with threonine.
Molecular consequence: missense variant.
Genome position (GRCh38, 1-based): chr3:49,057,644, G>T on the plus strand (C>A on the coding strand, the complement: QRICH1 is on the minus strand). VCF-style: chr3-49057644-G-T. GRCh37 (hg19) VCF-style: chr3-49095077-G-T.
Other names: c.556C>A, p.Pro186Thr (NM_001320580.2, NM_001320581.2, NM_001320582.2 and 4 more transcripts); short protein forms P186T.
Identifiers: ClinVar variation 2663510 (VCV002663510.1), dbSNP rs2471709977, ClinGen allele CA352674003.
Genomic context (GRCh38, chr3:49,057,644, plus strand): 5'-CAAGAGACTGGCCAGCCACCAGCTGAGCCTGGATTTGCTGATGTGGGATGTGCTCCTCCG[G>T]GATTTCTGCAGCCTGGATCTGCTGGGCTGCTTGCACGTGCTGCACCTGGATCTGAGCTGC-3'
Protein context (NP_942581.1, residues 176-196): AAQQIQAAEI[Pro186Thr]EEHIPHQQIQ